The following is an entry in ClinVar:

NM_000535.7(PMS2):c.193C>T (p.Leu65Phe)

Gene: PMS2 (PMS1 homolog 2, mismatch repair system component; minus strand). Cytogenetic location: 7p22.1.
Variant type: single nucleotide variant.
Coding change: c.193C>T on transcript NM_000535.7 (MANE Select); coding-DNA position 193, C replaced by T.
Protein change: p.Leu65Phe; replaces leucine 65 with phenylalanine.
Molecular consequence: missense variant. On other transcripts: 5 prime UTR variant (44), non-coding transcript variant (1), intron variant (1).
Genome position (GRCh38, 1-based): chr7:6,004,029, G>A on the plus strand (C>T on the coding strand, the complement: PMS2 is on the minus strand). VCF-style: chr7-6004029-G-A. GRCh37 (hg19) VCF-style: chr7-6043660-G-A.
Other names: c.-213C>T (NM_001322004.2, NM_001322005.2, NM_001322009.2 and 13 more transcripts); c.193C>T, p.Leu65Phe (NM_001322006.2, NM_001322014.2, NM_001406868.1 and 10 more transcripts); c.-23C>T (NM_001322007.2, NM_001322008.2, NM_001406876.1 and 4 more transcripts); c.-692C>T (NM_001322011.2, NM_001322012.2); c.-292C>T (NM_001322015.2, NM_001406875.1, NM_001406877.1 and 3 more transcripts); c.379C>T, p.Leu127Phe (NM_001406866.1); c.-239C>T (NM_001406880.1); c.-189C>T (NM_001406881.1, NM_001406900.1); and 3 more; short protein forms L127F, L65F.
Identifiers: ClinVar variation 3308065 (VCV003308065.1).

ClinVar aggregate classification (germline): Uncertain significance (1 of 4 stars; one submission).

Conditions:
Hereditary cancer-predisposing syndrome. Also called: Tumor predisposition; Hereditary Cancer Syndrome; Hereditary neoplastic syndrome; Neoplastic Syndromes, Hereditary. Identifiers: Orphanet 140162, MedGen C0027672, MeSH D009386, MONDO:0015356.

Submission:

Ambry Genetics
Classification: Uncertain significance for Hereditary cancer-predisposing syndrome. Last evaluated: 2024-04-25. Review status: criteria provided, single submitter. Criteria: Ambry Variant Classification Scheme 2023. Collection method: clinical testing. Allele origin: germline.
Comment: The p.L65F variant (also known as c.193C>T), located in coding exon 3 of the PMS2 gene, results from a C to T substitution at nucleotide position 193. The leucine at codon 65 is replaced by phenylalanine, an amino acid with highly similar properties. This amino acid position is conserved. In addition, the in silico prediction for this alteration is inconclusive. Based on the available evidence, the clinical significance of this variant remains unclear.